The following is an entry in ClinVar:

ClinVar aggregate classification (germline): Uncertain significance (1 of 4 stars; one submission).

Conditions:
Ullrich congenital muscular dystrophy 2 (UCMD2). Identifiers: Orphanet 75840, MedGen C4225314, MONDO:0014654, OMIM 616470.
Bethlem myopathy 2 (BTHLM2). Identifiers: Orphanet 536516, Orphanet 610, MedGen C4225313, MONDO:0034022, OMIM 616471.

Allele frequency attached by ClinVar (database versions not stated): TOPMed below 0.00001.
gnomAD v4.1: 1 of 1,614,196 alleles (0.000062%); highest among the groups gnomAD compares: Non-Finnish European, 0.000085%; no homozygotes.

Submission:

Labcorp Genetics (formerly Invitae), Labcorp
Classification: Uncertain significance for Bethlem myopathy 2; Ullrich congenital muscular dystrophy 2. Last evaluated: 2025-05-30. Review status: criteria provided, single submitter. Criteria: Invitae Variant Classification Sherloc (09022015). Collection method: clinical testing. Allele origin: germline.
Comment: This sequence change replaces valine, which is neutral and non-polar, with methionine, which is neutral and non-polar, at codon 532 of the COL12A1 protein (p.Val532Met). This variant is not present in population databases (gnomAD no frequency). This variant has not been reported in the literature in individuals affected with COL12A1-related conditions. ClinVar contains an entry for this variant (Variation ID: 2929315). Invitae Evidence Modeling of protein sequence and biophysical properties (such as structural, functional, and spatial information, amino acid conservation, physicochemical variation, residue mobility, and thermodynamic stability) indicates that this missense variant is not expected to disrupt COL12A1 protein function with a negative predictive value of 80%. In summary, the available evidence is currently insufficient to determine the role of this variant in disease. Therefore, it has been classified as a Variant of Uncertain Significance.

NM_004370.6(COL12A1):c.1594G>A (p.Val532Met)

Gene: COL12A1 (collagen type XII alpha 1 chain; minus strand). Cytogenetic location: 6q13.
Variant type: single nucleotide variant.
Coding change: c.1594G>A on transcript NM_004370.6 (MANE Select); coding-DNA position 1594, G replaced by A.
Protein change: p.Val532Met; replaces valine 532 with methionine.
Molecular consequence: missense variant. On other transcripts: intron variant (2).
Genome position (GRCh38, 1-based): chr6:75,183,347, C>T on the plus strand (G>A on the coding strand, the complement: COL12A1 is on the minus strand). VCF-style: chr6-75183347-C-T. GRCh37 (hg19) VCF-style: chr6-75893063-C-T.
Other names: c.1594G>A, p.Val532Met (NM_001424113.1, NM_001424114.1, NM_001424115.1); c.73+19373G>A (NM_001424116.1, NM_080645.3); short protein forms V532M.
Identifiers: ClinVar variation 2929315 (VCV002929315.3), dbSNP rs1022832065, ClinGen allele CA141029622.